The following is an entry in ClinVar:

ClinVar aggregate classification (germline): Uncertain significance (1 of 4 stars; one submission).

Submission:

Labcorp Genetics (formerly Invitae), Labcorp
Classification: Uncertain significance. Last evaluated: 2025-04-20. Review status: criteria provided, single submitter. Criteria: Invitae Variant Classification Sherloc (09022015). Collection method: clinical testing. Allele origin: germline.
Comment: This sequence change replaces serine, which is neutral and polar, with isoleucine, which is neutral and non-polar, at codon 69 of the DFNA5 protein (p.Ser69Ile). This variant is not present in population databases (gnomAD no frequency). This variant has not been reported in the literature in individuals affected with DFNA5-related conditions. Invitae Evidence Modeling of protein sequence and biophysical properties (such as structural, functional, and spatial information, amino acid conservation, physicochemical variation, residue mobility, and thermodynamic stability) indicates that this missense variant is not expected to disrupt DFNA5 protein function with a negative predictive value of 80%. In summary, the available evidence is currently insufficient to determine the role of this variant in disease. Therefore, it has been classified as a Variant of Uncertain Significance.

NM_001127453.2(GSDME):c.206G>T (p.Ser69Ile)

Gene: GSDME (gasdermin E; minus strand). Cytogenetic location: 7p15.3.
Variant type: single nucleotide variant.
Coding change: c.206G>T on transcript NM_001127453.2 (MANE Select); coding-DNA position 206, G replaced by T.
Protein change: p.Ser69Ile; replaces serine 69 with isoleucine.
Molecular consequence: missense variant. On other transcripts: intron variant (2).
Genome position (GRCh38, 1-based): chr7:24,749,569, C>A on the plus strand (G>T on the coding strand, the complement: GSDME is on the minus strand). VCF-style: chr7-24749569-C-A. GRCh37 (hg19) VCF-style: chr7-24789188-C-A.
Other names: c.206G>T, p.Ser69Ile (NM_004403.3); c.-281-4815G>T (NM_001127454.2, NM_001438059.1); short protein forms S69I.
Identifiers: ClinVar variation 4745467 (VCV004745467.1).